The following is an entry in ClinVar:

ClinVar aggregate classification (germline): Pathogenic (1 of 4 stars; one submission).

Submission:

Labcorp Genetics (formerly Invitae), Labcorp
Classification: Pathogenic. Last evaluated: 2023-05-15. Review status: criteria provided, single submitter. Criteria: Invitae Variant Classification Sherloc (09022015). Collection method: clinical testing. Allele origin: germline.
Comment: This sequence change creates a premature translational stop signal (p.Gly143*) in the RARS2 gene. It is expected to result in an absent or disrupted protein product. Loss-of-function variants in RARS2 are known to be pathogenic (PMID: 17847012, 22569581, 26083569). This variant is not present in population databases (gnomAD no frequency). This variant has not been reported in the literature in individuals affected with RARS2-related conditions. Algorithms developed to predict the effect of sequence changes on RNA splicing suggest that this variant may disrupt the consensus splice site. For these reasons, this variant has been classified as Pathogenic.

Literature cited by the submitters: PubMed 17847012; PubMed 22569581; PubMed 26083569.

NM_020320.5(RARS2):c.427G>T (p.Gly143Ter)

Gene: RARS2 (arginyl-tRNA synthetase 2, mitochondrial; minus strand). Cytogenetic location: 6q15.
Variant type: single nucleotide variant.
Coding change: c.427G>T on transcript NM_020320.5 (MANE Select); coding-DNA position 427, G replaced by T.
Protein change: p.Gly143Ter; replaces glycine 143 with a stop codon.
Molecular consequence: nonsense. On other transcripts: 5 prime UTR variant (5), non-coding transcript variant (15), intron variant (2).
Genome position (GRCh38, 1-based): chr6:87,548,615, C>A on the plus strand (G>T on the coding strand, the complement: RARS2 is on the minus strand). VCF-style: chr6-87548615-C-A. GRCh37 (hg19) VCF-style: chr6-88258333-C-A.
Other names: c.427G>T, p.Gly143Ter (NM_001350505.2); c.-99G>T (NM_001350506.2, NM_001350507.2, NM_001350508.2 and 2 more transcripts); c.-74-2916G>T (NM_001350509.2, NM_001318785.2); short protein forms G143*.
Identifiers: ClinVar variation 2801373 (VCV002801373.3), dbSNP rs2484306377, ClinGen allele CA364934073.